The following is an entry in ClinVar:

ClinVar aggregate classification (germline): Uncertain significance (1 of 4 stars; one submission).

Submission:

Mayo Clinic Laboratories, Mayo Clinic
Classification: Uncertain significance. Last evaluated: 2025-01-17. Review status: criteria provided, single submitter. Criteria: ACMG Guidelines, 2015. Collection method: clinical testing. Allele origin: germline. Observed: 1 variant allele.
Comment: PM2_supporting

NM_000043.6(FAS):c.826C>G (p.Gln276Glu)

Gene: FAS (Fas cell surface death receptor; plus strand). Cytogenetic location: 10q23.31.
Variant type: single nucleotide variant.
Coding change: c.826C>G on transcript NM_000043.6 (MANE Select); coding-DNA position 826, C replaced by G.
Protein change: p.Gln276Glu; replaces glutamine 276 with glutamic acid.
Molecular consequence: missense variant. On other transcripts: 3 prime UTR variant (2), non-coding transcript variant (7).
Genome position (GRCh38, 1-based): chr10:89,014,268, C>G. VCF-style: chr10-89014268-C-G. GRCh37 (hg19) VCF-style: chr10-90774025-C-G.
Other names: p.Gln276Glu; c.*149C>G (NM_001320619.2); c.871C>G, p.Gln291Glu (NM_001410956.1); c.763C>G, p.Gln255Glu (NM_152871.4); c.*138C>G (NM_152872.4); short protein forms Q276E, Q291E, Q255E.
Identifiers: ClinVar variation 4541560 (VCV004541560.1).
Genomic context (GRCh38, chr10:89,014,268, plus strand): 5'-GAAGCCAAAATAGATGAGATCAAGAATGACAATGTCCAAGACACAGCAGAACAGAAAGTT[C>G]AACTGCTTCGTAATTGGCATCAACTTCATGGAAAGAAAGAAGCGTATGACACATTGATTA-3'
Protein context (NP_000034.1, residues 266-286): NVQDTAEQKV[Gln276Glu]LLRNWHQLHG